The following is an entry in ClinVar:

NM_020884.7(MYH7B):c.1057T>C (p.Tyr353His)

Gene: MYH7B (myosin heavy chain 7B; plus strand). Cytogenetic location: 20q11.22.
Variant type: single nucleotide variant.
Coding change: c.1057T>C on transcript NM_020884.7 (MANE Select); coding-DNA position 1057, T replaced by C.
Protein change: p.Tyr353His; replaces tyrosine 353 with histidine.
Molecular consequence: missense variant.
Genome position (GRCh38, 1-based): chr20:34,987,197, T>C. VCF-style: chr20-34987197-T-C. GRCh37 (hg19) VCF-style: chr20-33575000-T-C.
Other names: short protein forms Y353H.
Identifiers: ClinVar variation 2704016 (VCV002704016.3), dbSNP rs1263015282, ClinGen allele CA408700274.

ClinVar aggregate classification (germline): Uncertain significance (1 of 4 stars; one submission).

gnomAD v4.1: 26 of 1,613,038 alleles (0.0016%); highest among the groups gnomAD compares: Non-Finnish European, 0.0022%; no homozygotes.

Submission:

Labcorp Genetics (formerly Invitae), Labcorp
Classification: Uncertain significance. Last evaluated: 2023-12-19. Review status: criteria provided, single submitter. Criteria: Invitae Variant Classification Sherloc (09022015). Collection method: clinical testing. Allele origin: germline.
Comment: This sequence change replaces tyrosine, which is neutral and polar, with histidine, which is basic and polar, at codon 395 of the MYH7B protein (p.Tyr395His). This variant is present in population databases (no rsID available, gnomAD 0.002%). This variant has not been reported in the literature in individuals affected with MYH7B-related conditions. Advanced modeling of protein sequence and biophysical properties (such as structural, functional, and spatial information, amino acid conservation, physicochemical variation, residue mobility, and thermodynamic stability) performed at Invitae indicates that this missense variant is expected to disrupt MYH7B protein function with a positive predictive value of 80%. In summary, the available evidence is currently insufficient to determine the role of this variant in disease. Therefore, it has been classified as a Variant of Uncertain Significance.